The following is an entry in ClinVar:

ClinVar aggregate classification (germline): Uncertain significance (1 of 4 stars; one submission).

Conditions:
Hereditary nonpolyposis colorectal neoplasms. Identifiers: MedGen C0009405, MeSH D003123.

Submission:

Labcorp Genetics (formerly Invitae), Labcorp
Classification: Uncertain significance for Hereditary nonpolyposis colorectal neoplasms. Last evaluated: 2025-11-10. Review status: criteria provided, single submitter. Criteria: Invitae Variant Classification Sherloc (09022015). Collection method: clinical testing. Allele origin: germline.
Comment: This sequence change replaces proline, which is neutral and non-polar, with alanine, which is neutral and non-polar, at codon 213 of the PMS2 protein (p.Pro213Ala). This variant is not present in population databases (gnomAD no frequency). This variant has not been reported in the literature in individuals affected with PMS2-related conditions. Invitae Evidence Modeling incorporating data from in vitro experimental studies (internal data) indicates that this missense variant is not expected to disrupt PMS2 function with a negative predictive value of 95%. In summary, the available evidence is currently insufficient to determine the role of this variant in disease. Therefore, it has been classified as a Variant of Uncertain Significance.

NM_000535.7(PMS2):c.637C>G (p.Pro213Ala)

Gene: PMS2 (PMS1 homolog 2, mismatch repair system component; minus strand). Cytogenetic location: 7p22.1.
Variant type: single nucleotide variant.
Coding change: c.637C>G on transcript NM_000535.7 (MANE Select); coding-DNA position 637, C replaced by G.
Protein change: p.Pro213Ala; replaces proline 213 with alanine.
Molecular consequence: missense variant. On other transcripts: 5 prime UTR variant (2), non-coding transcript variant (1), intron variant (9).
Genome position (GRCh38, 1-based): chr7:5,999,176, G>C on the plus strand (C>G on the coding strand, the complement: PMS2 is on the minus strand). VCF-style: chr7-5999176-G-C. GRCh37 (hg19) VCF-style: chr7-6038807-G-C.
Other names: c.232C>G, p.Pro78Ala (NM_001322003.2, NM_001322004.2, NM_001322005.2 and 19 more transcripts); c.637C>G, p.Pro213Ala (NM_001322006.2, NM_001322014.2, NM_001406870.1 and 4 more transcripts); c.319C>G, p.Pro107Ala (NM_001322007.2, NM_001322008.2, NM_001406876.1 and 4 more transcripts); c.-297C>G (NM_001322011.2, NM_001322012.2); c.328C>G, p.Pro110Ala (NM_001322015.2, NM_001406875.1, NM_001406877.1 and 6 more transcripts); c.823C>G, p.Pro275Ala (NM_001406866.1); c.661C>G, p.Pro221Ala (NM_001406868.1); c.301C>G, p.Pro101Ala (NM_001406885.1); and 6 more; short protein forms P275A, P110A, P221A, P78A, P101A, P107A, P213A.
Identifiers: ClinVar variation 4743010 (VCV004743010.1).
Genomic context (GRCh38, chr7:5,999,176, plus strand): 5'-GCCCAAACACAGAGCCGATATTTTCCTTTATGCTGGGGCTTCCACCTGTGCATACCACAG[G>C]CTGTCGTTTTCCTTGTCCAAGCTGATTGGTGCAACTTACACGGATGCCTGCTGAAATGAT-3'
Protein context (NP_000526.2, residues 203-223): TNQLGQGKRQ[Pro213Ala]VVCTGGSPSI